The following is an entry in ClinVar:

NM_001127222.2(CACNA1A):c.2959C>T (p.Arg987Trp)

Gene: CACNA1A (calcium voltage-gated channel subunit alpha1 A; minus strand). Cytogenetic location: 19p13.13.
Variant type: single nucleotide variant.
Coding change: c.2959C>T on transcript NM_001127222.2 (MANE Select); coding-DNA position 2959, C replaced by T.
Protein change: p.Arg987Trp; replaces arginine 987 with tryptophan.
Molecular consequence: missense variant.
Genome position (GRCh38, 1-based): chr19:13,298,674, G>A on the plus strand (C>T on the coding strand, the complement: CACNA1A is on the minus strand). VCF-style: chr19-13298674-G-A. GRCh37 (hg19) VCF-style: chr19-13409488-G-A.
Other names: c.2971C>T, p.Arg991Trp (NM_000068.4, NM_023035.3); c.2962C>T, p.Arg988Trp (NM_001127221.2, NM_001174080.2); short protein forms R988W, R987W, R991W.
Identifiers: ClinVar variation 952065 (VCV000952065.12), dbSNP rs1489702072, ClinGen allele CA404342365.
Genomic context (GRCh38, chr19:13,298,674, plus strand): 5'-GCCGGTGCCTTCTCCTGCGCTCGCCCCCGTCGGGGCCCTCGCCCTCGCCCTCGCCGCCCC[G>A]GGCCGGCCGGCTGCCCTCGCGGTGCCGCGCCCTCCGCTCCGCCTTGTCCTCCGGACCCTC-3'
Protein context (NP_001120694.1, residues 977-997): ARHREGSRPA[Arg987Trp]GGEGEGEGPD

ClinVar aggregate classification (germline): Uncertain significance. Review status: criteria provided, multiple submitters, no conflicts (2 of 4 stars). 2 submissions from 2 submitters: Uncertain significance (2). Last evaluated 2024-08-29.

Conditions:
Developmental and epileptic encephalopathy, 42 (DEE42A). Also called: DEVELOPMENTAL AND EPILEPTIC ENCEPHALOPATHY 42A; EPILEPTIC ENCEPHALOPATHY, EARLY INFANTILE, 42A; Epileptic encephalopathy, early infantile, 42. Identifiers: MedGen C4310716, MONDO:0014917, OMIM 617106.
Episodic ataxia type 2 (EA2). Also called: ATAXIA, EPISODIC, WITH NYSTAGMUS; ATAXIA, FAMILIAL PAROXYSMAL; CEREBELLAR ATAXIA, PAROXYSMAL, ACETAZOLAMIDE-RESPONSIVE; ACETAZOLAMIDE-RESPONSIVE HEREDITARY PAROXYSMAL CEREBELLAR ATAXIA; CEREBELLOPATHY, HEREDITARY PAROXYSMAL; EPISODIC ATAXIA, NYSTAGMUS-ASSOCIATED. Identifiers: Orphanet 97, MedGen C1720416, MONDO:0007163, OMIM 108500.

Submissions (2):

GeneDx
Classification: Uncertain significance. Last evaluated: 2024-08-29. Review status: criteria provided, single submitter. Criteria: GeneDx Variant Classification Process June 2021. Collection method: clinical testing. Allele origin: germline. Affected: yes.
Comment: Not observed at significant frequency in large population cohorts (gnomAD); In silico analysis supports that this missense variant has a deleterious effect on protein structure/function; Has not been previously published as pathogenic or benign to our knowledge

Labcorp Genetics (formerly Invitae), Labcorp
Classification: Uncertain significance for Developmental and epileptic encephalopathy, 42; Episodic ataxia type 2. Last evaluated: 2024-08-06. Review status: criteria provided, single submitter. Criteria: Invitae Variant Classification Sherloc (09022015). Collection method: clinical testing. Allele origin: germline.
Comment: This sequence change replaces arginine, which is basic and polar, with tryptophan, which is neutral and slightly polar, at codon 988 of the CACNA1A protein (p.Arg988Trp). This variant is not present in population databases (gnomAD no frequency). This variant has not been reported in the literature in individuals affected with CACNA1A-related conditions. ClinVar contains an entry for this variant (Variation ID: 952065). Advanced modeling of protein sequence and biophysical properties (such as structural, functional, and spatial information, amino acid conservation, physicochemical variation, residue mobility, and thermodynamic stability) performed at Invitae indicates that this missense variant is not expected to disrupt CACNA1A protein function with a negative predictive value of 95%. In summary, the available evidence is currently insufficient to determine the role of this variant in disease. Therefore, it has been classified as a Variant of Uncertain Significance.